The following is an entry in ClinVar:

NM_000642.3(AGL):c.4213G>A (p.Glu1405Lys)

Gene: AGL (amylo-alpha-1,6-glucosidase and 4-alpha-glucanotransferase; plus strand). Cytogenetic location: 1p21.2.
Variant type: single nucleotide variant.
Coding change: c.4213G>A on transcript NM_000642.3 (MANE Select); coding-DNA position 4213, G replaced by A.
Protein change: p.Glu1405Lys; replaces glutamic acid 1405 with lysine.
Molecular consequence: missense variant.
Genome position (GRCh38, 1-based): chr1:99,915,440, G>A. VCF-style: chr1-99915440-G-A. GRCh37 (hg19) VCF-style: chr1-100380996-G-A.
Other names: c.4213G>A, p.Glu1405Lys (NM_000028.3, NM_000643.3, NM_000644.3 and 1 more transcripts); c.4165G>A, p.Glu1389Lys (NM_000646.3); c.4192G>A, p.Glu1398Lys (NM_001425326.1); c.4012G>A, p.Glu1338Lys (NM_001425327.1); c.4009G>A, p.Glu1337Lys (NM_001425328.1); c.3874G>A, p.Glu1292Lys (NM_001425329.1); c.3835G>A, p.Glu1279Lys (NM_001425332.1); short protein forms E1389K, E1405K, E1279K, E1292K, E1337K, E1338K, E1398K.
Identifiers: ClinVar variation 1999724 (VCV001999724.4), dbSNP rs2523846156, ClinGen allele CA341341201.

ClinVar aggregate classification (germline): Uncertain significance (1 of 4 stars; one submission).

Conditions:
Glycogen storage disease type III (GSD3). Also called: FORBES DISEASE; Cori disease. Identifiers: Orphanet 366, MedGen C0017922, MONDO:0009291, OMIM 232400.

Submission:

Labcorp Genetics (formerly Invitae), Labcorp
Classification: Uncertain significance for Glycogen storage disease type III. Last evaluated: 2022-05-27. Review status: criteria provided, single submitter. Criteria: Invitae Variant Classification Sherloc (09022015). Collection method: clinical testing. Allele origin: germline.
Comment: Algorithms developed to predict the effect of missense changes on protein structure and function (SIFT, PolyPhen-2, Align-GVGD) all suggest that this variant is likely to be tolerated. In summary, the available evidence is currently insufficient to determine the role of this variant in disease. Therefore, it has been classified as a Variant of Uncertain Significance. This variant has not been reported in the literature in individuals affected with AGL-related conditions. This variant is not present in population databases (gnomAD no frequency). This sequence change replaces glutamic acid, which is acidic and polar, with lysine, which is basic and polar, at codon 1405 of the AGL protein (p.Glu1405Lys).